The following is an entry in ClinVar:

ClinVar aggregate classification (germline): Uncertain significance (1 of 4 stars; one submission).

Conditions:
Noonan syndrome 9 (NS9). Identifiers: Orphanet 648, MedGen C4225282, MONDO:0014691, OMIM 616559.

Submission:

Labcorp Genetics (formerly Invitae), Labcorp
Classification: Uncertain significance for Noonan syndrome 9. Last evaluated: 2024-11-03. Review status: criteria provided, single submitter. Criteria: Invitae Variant Classification Sherloc (09022015). Collection method: clinical testing. Allele origin: germline.
Comment: This sequence change creates a premature translational stop signal (p.Cys348Leufs*6) in the SOS2 gene. It is expected to result in an absent or disrupted protein product. However, the current clinical and genetic evidence is not sufficient to establish whether loss-of-function variants in SOS2 cause disease. This variant is not present in population databases (gnomAD no frequency). This variant has not been reported in the literature in individuals affected with SOS2-related conditions. In summary, the available evidence is currently insufficient to determine the role of this variant in disease. Therefore, it has been classified as a Variant of Uncertain Significance.

NM_006939.4(SOS2):c.1042dup (p.Cys348fs)

Gene: SOS2 (SOS Ras/Rho guanine nucleotide exchange factor 2; minus strand). Cytogenetic location: 14q21.3.
Variant type: Duplication.
Coding change: c.1042dup on transcript NM_006939.4 (MANE Select); coding-DNA position 1042, one base duplicated (T; older notation c.1042dupT).
Protein change: p.Cys348fs; shifts the reading frame from cysteine 348.
Molecular consequence: frameshift variant. On other transcripts: intron variant (1).
Genome position (GRCh38, 1-based): chr14:50,174,480, A duplicated on the plus strand (T on the coding strand, the reverse complement: SOS2 is on the minus strand). VCF-style (leftmost placement, unchanged base first): chr14-50174479-C-CA. GRCh37 (hg19) VCF-style: chr14-50641197-C-CA.
Other names: c.969+6092dup (NM_001411020.1); short protein forms C348fs.
Identifiers: ClinVar variation 3724511 (VCV003724511.2).